The following is an entry in ClinVar:

ClinVar aggregate classification (germline): Pathogenic (1 of 4 stars; one submission).

Conditions:
Leigh syndrome (NULS). Also called: Leigh's necrotizing encephalopathy; Leigh's disease; Leigh Syndrome (mtDNA deletion); Leigh's syndrome; Leigh Disease; Subacute necrotizing encephalopathy. Identifiers: Orphanet 506, MedGen C2931891, MONDO:0009723, OMIM 256000.

Submission:

Labcorp Genetics (formerly Invitae), Labcorp
Classification: Pathogenic for Leigh syndrome. Last evaluated: 2025-01-08. Review status: criteria provided, single submitter. Criteria: Invitae Variant Classification Sherloc (09022015). Collection method: clinical testing. Allele origin: germline.
Comment: This sequence change creates a premature translational stop signal (p.Leu16Glyfs*46) in the SURF1 gene. It is expected to result in an absent or disrupted protein product. Loss-of-function variants in SURF1 are known to be pathogenic (PMID: 10443880, 22488715, 24027061). This variant is not present in population databases (gnomAD no frequency). This variant has not been reported in the literature in individuals affected with SURF1-related conditions. ClinVar contains an entry for this variant (Variation ID: 456665). For these reasons, this variant has been classified as Pathogenic.

Literature cited by the submitters: PubMed 10443880; PubMed 22488715; PubMed 24027061.

NM_003172.4(SURF1):c.32_38dup (p.Leu16fs)

Gene: SURF1 (SURF1 cytochrome c oxidase assembly factor; minus strand). Cytogenetic location: 9q34.2.
Variant type: Duplication.
Coding change: c.32_38dup on transcript NM_003172.4 (MANE Select); coding-DNA positions 32 to 38, 7 bases duplicated (TGCGGGC; older notation c.32_38dupTGCGGGC).
Protein change: p.Leu16fs; shifts the reading frame from leucine 16.
Molecular consequence: frameshift variant. On other transcripts: 5 prime UTR variant (1).
Genome position (GRCh38, 1-based): chr9:133,356,416-133,356,422, GCCCGCA duplicated on the plus strand (TGCGGGC on the coding strand, the reverse complement: SURF1 is on the minus strand); duplicating any 7 consecutive bases within chr9:133,356,416-133,356,426 gives the same sequence; the c. name uses the placement nearest the transcript's 3' end. VCF-style (leftmost placement, unchanged base first): chr9-133356415-C-CGCCCGCA. GRCh37 (hg19) VCF-style: chr9-136223291-C-CGCCCGCA.
Other names: c.-244_-238dup (NM_001280787.1); c.32_38dupTGCGGGC (NM_003172.3); short protein forms L16fs.
Identifiers: ClinVar variation 456665 (VCV000456665.6), dbSNP rs1410388157, ClinGen allele CA658657935.